The following is an entry in ClinVar:

NM_173598.6(KSR2):c.1922C>T (p.Ser641Leu)

Gene: KSR2 (kinase suppressor of ras 2; minus strand). Cytogenetic location: 12q24.22.
Variant type: single nucleotide variant.
Coding change: c.1922C>T on transcript NM_173598.6 (MANE Select); coding-DNA position 1922, C replaced by T.
Protein change: p.Ser641Leu; replaces serine 641 with leucine.
Molecular consequence: missense variant.
Genome position (GRCh38, 1-based): chr12:117,525,149, G>A on the plus strand (C>T on the coding strand, the complement: KSR2 is on the minus strand). VCF-style: chr12-117525149-G-A. GRCh37 (hg19) VCF-style: chr12-117962954-G-A.
Other names: c.1835C>T (NM_173598.4); short protein forms S641L.
Identifiers: ClinVar variation 4918805 (VCV004918805.2).
Genomic context (GRCh38, chr12:117,525,149, plus strand): 5'-ATGTCCCACTCCTGAAGGAAGATGCTGGTCTGGCTGGCCTTGCGTGGGAAGCTCCGGGCC[G>A]AGAGGAGGGACAGGTTCATCTCCTCGAAGTCATCCTCTGACTCTTCGGCCTCATCATGGA-3'
Protein context (NP_775869.4, residues 631-651): DFEEMNLSLL[Ser641Leu]ARSFPRKASQ

ClinVar aggregate classification (germline): Uncertain significance. Review status: criteria provided, multiple submitters, no conflicts (2 of 4 stars). 2 submissions from 2 submitters: Uncertain significance (2). Last evaluated 2024-12-06.

Conditions:
KSR2-related disorder. Also called: KSR2-related condition.

gnomAD v4.1: 10 of 1,613,948 alleles (0.00062%); highest among the groups gnomAD compares: South Asian, 0.0055%; no homozygotes.

Submissions (2):

PreventionGenetics, part of Exact Sciences
Classification: Uncertain significance for KSR2-related condition. Last evaluated: 2024-12-06. Review status: criteria provided, single submitter. Criteria: ACMG Guidelines, 2015. Collection method: clinical testing. Allele origin: germline.
Comment: The KSR2 c.1835C>T variant is predicted to result in the amino acid substitution p.Ser612Leu. To our knowledge, this variant has not been reported in the literature. This variant is reported in 0.0065% of alleles in individuals of South Asian descent in gnomAD. At this time, the clinical significance of this variant is uncertain due to the absence of conclusive functional and genetic evidence.

Blueprint Genetics
Classification: Uncertain significance. Last evaluated: 2020-01-02. Review status: criteria provided, single submitter. Criteria: ACMG Guidelines, 2015. Collection method: clinical testing. Allele origin: germline.